The following is an entry in ClinVar:

ClinVar aggregate classification (germline): Uncertain significance. Review status: reviewed by expert panel (3 of 4 stars). 2 submissions from 2 submitters: Uncertain significance (1). 1 of the submissions does not count toward it. Last evaluated 2025-01-15.

Conditions:
Hereditary thrombocytopenia and hematologic cancer predisposition syndrome. Identifiers: Orphanet 71290, MedGen CN281654, MONDO:0011071.
Hereditary thrombocytopenia and hematological cancer predisposition syndrome associated with RUNX1. Also called: Familial Platelet Disorder with Propensity to Acute Myelogenous Leukemia; Familial thrombocytopenia with propensity to acute myelogenous leukemia; RUNX1 Familial Platelet Disorder with Associated Myeloid Malignancies; PLATELET DISORDER, ASPIRIN-LIKE. Identifiers: Orphanet 71290, MedGen C1832388, MeSH C563324, MONDO:0100083, OMIM 601399.

Submissions (2):

ClinGen Myeloid Malignancy Variant Curation Expert Panel
Classification: Uncertain significance for Hereditary thrombocytopenia and hematologic cancer predisposition syndrome. Last evaluated: 2025-01-15. Review status: reviewed by expert panel. Criteria: ClinGen MyeloMalig ACMG Specifications v2. Collection method: curation. Allele origin: germline. Inheritance: Autosomal dominant inheritance.
Comment: NM_001754.5(RUNX1):c.281G>C (p.Ser94Thr) is a missense variant with a REVEL score ≥ 0.88 (0.931) (PP3). This variant is located within the Runt Homology Domain (AA 89-204), but does not occur in an established hotspot residue (PM1_supporting). This variant is completely absent from all population databases with at least 20x coverage for RUNX1 (PM2_Supporting). This variant has been reported as likely pathogenic by clinical testing by the Center for Genomic Medicine, King Faisal Specialist Hospital and Research Center (ClinVar ID 3068220), however, PS1 was not applied because it was not curated using the MM-VCEP rules for RUNX1. In summary, the clinical significance of this variant is uncertain. ACMG/AMP criteria applied, as specified by the Myeloid Malignancy Variant Curation Expert Panel for RUNX1: PP3, PM1_supporting, PM2_Supporting.

Genomic Medicine Center of Excellence, King Faisal Specialist Hospital and Research Centre
Classification: Likely pathogenic for Hereditary thrombocytopenia and hematological cancer predisposition syndrome associated with RUNX1. Last evaluated: 2024-04-04. Review status: criteria provided, single submitter. Criteria: ACMG Guidelines, 2015. Collection method: clinical testing. Allele origin: germline. Not counted in ClinVar's aggregate classification.

NM_001754.5(RUNX1):c.281G>C (p.Ser94Thr)

Gene: RUNX1 (RUNX family transcription factor 1; minus strand). Cytogenetic location: 21q22.12.
Variant type: single nucleotide variant.
Coding change: c.281G>C on transcript NM_001754.5 (MANE Select); coding-DNA position 281, G replaced by C.
Protein change: p.Ser94Thr; replaces serine 94 with threonine.
Molecular consequence: missense variant.
Genome position (GRCh38, 1-based): chr21:34,886,913, C>G on the plus strand (G>C on the coding strand, the complement: RUNX1 is on the minus strand). VCF-style: chr21-34886913-C-G. GRCh37 (hg19) VCF-style: chr21-36259210-C-G.
Other names: NM_001754.5(RUNX1):c.281G>C; p.Ser94Thr; c.200G>C, p.Ser67Thr (NM_001001890.3, NM_001122607.2); short protein forms S67T, S94T.
Identifiers: ClinVar variation 3068220 (VCV003068220.3), dbSNP rs2146409554, ClinGen allele CA410203693.